The following is an entry in ClinVar:

ClinVar aggregate classification (germline): Uncertain significance (1 of 4 stars; one submission).

Conditions:
RYR1-related disorder. Also called: RYR1-related condition; RYR1-related disorders. Identifiers: MedGen CN239331.

gnomAD v4.1: 1 of 1,597,816 alleles (0.000063%); highest among the groups gnomAD compares: Non-Finnish European, 0.000086%; no homozygotes.

Submission:

Labcorp Genetics (formerly Invitae), Labcorp
Classification: Uncertain significance for RYR1-related disorder. Last evaluated: 2025-07-21. Review status: criteria provided, single submitter. Criteria: Invitae Variant Classification Sherloc (09022015). Collection method: clinical testing. Allele origin: germline.
Comment: This sequence change falls in intron 53 of the RYR1 gene. It does not directly change the encoded amino acid sequence of the RYR1 protein. It affects a nucleotide within the consensus splice site. This variant is present in population databases (rs748640955, gnomAD 0.001%). This variant has not been reported in the literature in individuals affected with RYR1-related conditions. Variants that disrupt the consensus splice site are a relatively common cause of aberrant splicing (PMID: 17576681, 9536098). Algorithms developed to predict the effect of sequence changes on RNA splicing suggest that this variant is not likely to affect RNA splicing. In summary, the available evidence is currently insufficient to determine the role of this variant in disease. Therefore, it has been classified as a Variant of Uncertain Significance.

Literature cited by the submitters: PubMed 17576681; PubMed 9536098.

NM_000540.3(RYR1):c.8400+6C>T

Genes: RYR1 (ryanodine receptor 1; plus strand), LOC126862902 (BRD4-independent group 4 enhancer GRCh37_chr19:38995830-38997029; plus strand). Cytogenetic location: 19q13.2.
Variant type: single nucleotide variant.
Coding change: c.8400+6C>T on transcript NM_000540.3 (MANE Select); 6 bases into the intron after coding-DNA position 8400, C replaced by T.
Molecular consequence: intron variant.
Genome position (GRCh38, 1-based): chr19:38,505,404, C>T. VCF-style: chr19-38505404-C-T. GRCh37 (hg19) VCF-style: chr19-38996044-C-T.
Other names: c.8400+6C>T (NM_001042723.2).
Identifiers: ClinVar variation 4748040 (VCV004748040.1).
Genomic context (GRCh38, chr19:38,505,404, plus strand): 5'-CGAGGAGCTGAAGACCCACCCCATGCTGAGGCCCTACAAGACCTTTTCAGAGAAGGTGAC[C>T]AGGCCTTGGGGCCCAGCATTGAGGGTCAAAATGAAACCCCCAAATTTGAGGATTCGGGGA-3'